The following is an entry in ClinVar:

ClinVar aggregate classification (germline): Conflicting classifications of pathogenicity. Review status: criteria provided, conflicting classifications (1 of 4 stars). 4 submissions from 4 submitters: Pathogenic (1); Likely pathogenic (1); Uncertain significance (1). 1 of the submissions does not count toward it. Last evaluated 2024-03-27.

Conditions:
Neurofibromatosis, type 1 (NF1). Also called: VON RECKLINGHAUSEN DISEASE; NEUROFIBROMATOSIS, TYPE I, SOMATIC; Peripheral type neurofibromatosis; Neurofibromatosis, type I. Identifiers: Orphanet 636, MedGen C0027831, MONDO:0018975, OMIM 162200. Disease mechanism: loss of function.
NF1-related disorder. Also called: NF1-related condition. Identifiers: MedGen CN379171.

Submissions (4):

Labcorp Genetics (formerly Invitae), Labcorp
Classification: Pathogenic for Neurofibromatosis, type 1. Last evaluated: 2024-03-27. Review status: criteria provided, single submitter. Criteria: Invitae Variant Classification Sherloc (09022015). Collection method: clinical testing. Allele origin: germline.
Comment: This sequence change replaces leucine, which is neutral and non-polar, with proline, which is neutral and non-polar, at codon 532 of the NF1 protein (p.Leu532Pro). This variant is not present in population databases (gnomAD no frequency). This missense change has been observed in individual(s) with clinical features of neurofibromatosis type 1 (PMID: 15060124; Invitae). In at least one individual the variant was observed to be de novo. ClinVar contains an entry for this variant (Variation ID: 68302). Advanced modeling of protein sequence and biophysical properties (such as structural, functional, and spatial information, amino acid conservation, physicochemical variation, residue mobility, and thermodynamic stability) performed at Invitae indicates that this missense variant is expected to disrupt NF1 protein function with a positive predictive value of 95%. For these reasons, this variant has been classified as Pathogenic.

Genome Diagnostics Laboratory, The Hospital for Sick Children
Classification: Uncertain significance for Neurofibromatosis, type 1. Last evaluated: 2020-10-26. Review status: criteria provided, single submitter. Criteria: ACMG Guidelines, 2015. Collection method: clinical testing. Allele origin: germline. Affected: yes.

Blueprint Genetics
Classification: Likely pathogenic for NF1-related disorders. Last evaluated: 2019-06-03. Review status: criteria provided, single submitter. Criteria: ACMG Guidelines, 2015. Collection method: clinical testing. Allele origin: germline. Affected: yes. Observed: 1 variant allele.

UniProtKB/Swiss-Prot
No classification provided. Review status: no classification provided. Collection method: not provided. Allele origin: not provided. Not counted in ClinVar's aggregate classification.

Literature cited by the submitters: PubMed 15060124 (cited by Labcorp Genetics (formerly Invitae), Labcorp).

NM_001042492.3(NF1):c.1595T>C (p.Leu532Pro)

Gene: NF1 (neurofibromin 1; plus strand). Cytogenetic location: 17q11.2.
Variant type: single nucleotide variant.
Coding change: c.1595T>C on transcript NM_001042492.3 (MANE Select); coding-DNA position 1595, T replaced by C.
Protein change: p.Leu532Pro; replaces leucine 532 with proline.
Molecular consequence: missense variant.
Genome position (GRCh38, 1-based): chr17:31,219,072, T>C. VCF-style: chr17-31219072-T-C. GRCh37 (hg19) VCF-style: chr17-29546090-T-C.
Other names: c.1595T>C, p.Leu532Pro (NM_000267.4, NM_001128147.3); short protein forms L532P.
Identifiers: ClinVar variation 68302 (VCV000068302.10), dbSNP rs199474737, ClinGen allele CA219397.
Genomic context (GRCh38, chr17:31,219,072, plus strand): 5'-GAAAACAGGGGCCCGAAACCCAAGGCAGTACAGCAGAATTAATTACAGGGCTCGTCCAAC[T>C]GGTCCCTCAGTCACACATGCCAGAGATTGCTCAGGAAGCAATGGAGGTAAGGGGAAAATG-3'
Protein context (NP_001035957.1, residues 522-542): TAELITGLVQ[Leu532Pro]VPQSHMPEIA